The following is an entry in ClinVar:

ClinVar aggregate classification (germline): Uncertain significance (1 of 4 stars; one submission).

Submission:

GeneDx
Classification: Uncertain significance. Last evaluated: 2025-02-05. Review status: criteria provided, single submitter. Criteria: GeneDx Variant Classification Process June 2021. Collection method: clinical testing. Allele origin: germline. Affected: yes.
Comment: Not observed at significant frequency in large population cohorts (gnomAD); In silico analysis supports that this missense variant has a deleterious effect on protein structure/function; Has not been previously published as pathogenic or benign to our knowledge; This variant is associated with the following publications: (PMID: 27311832)

NM_004380.3(CREBBP):c.5360A>T (p.Asn1787Ile)

Gene: CREBBP (CREB binding lysine acetyltransferase; minus strand). Cytogenetic location: 16p13.3.
Variant type: single nucleotide variant.
Coding change: c.5360A>T on transcript NM_004380.3 (MANE Select); coding-DNA position 5360, A replaced by T.
Protein change: p.Asn1787Ile; replaces asparagine 1787 with isoleucine.
Molecular consequence: missense variant.
Genome position (GRCh38, 1-based): chr16:3,729,687, T>A on the plus strand (A>T on the coding strand, the complement: CREBBP is on the minus strand). VCF-style: chr16-3729687-T-A. GRCh37 (hg19) VCF-style: chr16-3779688-T-A.
Other names: c.5246A>T, p.Asn1749Ile (NM_001079846.1); short protein forms N1749I, N1787I.
Identifiers: ClinVar variation 4074579 (VCV004074579.1).